The following is an entry in ClinVar:

ClinVar aggregate classification (germline): Uncertain significance. Review status: criteria provided, multiple submitters, no conflicts (2 of 4 stars). 2 submissions from 2 submitters: Uncertain significance (2). Last evaluated 2024-07-01.

Conditions:
Nemaline myopathy 2 (NEM2). Also called: Nemaline myopathy 2, autosomal recessive. Identifiers: MedGen C1850569, MONDO:0009725, OMIM 256030.

gnomAD v4.1: 2 of 1,614,018 alleles (0.00012%); highest among the groups gnomAD compares: Non-Finnish European, 0.00017%; no homozygotes.

Submissions (2):

Labcorp Genetics (formerly Invitae), Labcorp
Classification: Uncertain significance for Nemaline myopathy 2. Last evaluated: 2024-07-01. Review status: criteria provided, single submitter. Criteria: Invitae Variant Classification Sherloc (09022015). Collection method: clinical testing. Allele origin: germline.
Comment: This sequence change replaces isoleucine, which is neutral and non-polar, with valine, which is neutral and non-polar, at codon 2932 of the NEB protein (p.Ile2932Val). This variant is not present in population databases (gnomAD no frequency). This variant has not been reported in the literature in individuals affected with NEB-related conditions. ClinVar contains an entry for this variant (Variation ID: 1056778). Algorithms developed to predict the effect of missense changes on protein structure and function output the following: SIFT: "Not Available"; PolyPhen-2: "Not Available"; Align-GVGD: "Not Available". The valine amino acid residue is found in multiple mammalian species, which suggests that this missense change does not adversely affect protein function. In summary, the available evidence is currently insufficient to determine the role of this variant in disease. Therefore, it has been classified as a Variant of Uncertain Significance.

CeGaT Center for Human Genetics Tuebingen
Classification: Uncertain significance. Last evaluated: 2022-12-01. Review status: criteria provided, single submitter. Criteria: CeGaT Center For Human Genetics Tuebingen Variant Classification Criteria Version 2. Collection method: clinical testing. Allele origin: germline. Affected: yes. Observed: 1 variant allele.
Comment: NEB: PM2, BP4

NM_001164508.2(NEB):c.8794A>G (p.Ile2932Val)

Gene: NEB (nebulin; minus strand). Cytogenetic location: 2q23.3.
Variant type: single nucleotide variant.
Coding change: c.8794A>G on transcript NM_001164508.2 (MANE Select); coding-DNA position 8794, A replaced by G.
Protein change: p.Ile2932Val; replaces isoleucine 2932 with valine.
Molecular consequence: missense variant.
Genome position (GRCh38, 1-based): chr2:151,639,952, T>C on the plus strand (A>G on the coding strand, the complement: NEB is on the minus strand). VCF-style: chr2-151639952-T-C. GRCh37 (hg19) VCF-style: chr2-152496466-T-C.
Other names: c.8794A>G, p.Ile2932Val (NM_001164507.2, NM_001271208.2, NM_004543.5); short protein forms I2932V.
Identifiers: ClinVar variation 1056778 (VCV001056778.31), dbSNP rs2098826922, ClinGen allele CA348809253.